The following is an entry in ClinVar:

ClinVar aggregate classification (germline): Uncertain significance (1 of 4 stars; one submission).

Conditions:
RASopathy. Also called: Noonan spectrum disorder; rasopathies. Identifiers: Orphanet 536391, MedGen C5555857, MONDO:0021060.

gnomAD v4.1: 1 of 1,614,050 alleles (0.000062%); highest among the groups gnomAD compares: Non-Finnish European, 0.000085%; no homozygotes.

Submission:

Labcorp Genetics (formerly Invitae), Labcorp
Classification: Uncertain significance for RASopathy. Last evaluated: 2024-12-03. Review status: criteria provided, single submitter. Criteria: Invitae Variant Classification Sherloc (09022015). Collection method: clinical testing. Allele origin: germline.
Comment: This sequence change replaces valine, which is neutral and non-polar, with glycine, which is neutral and non-polar, at codon 516 of the RAF1 protein (p.Val516Gly). This variant is not present in population databases (gnomAD no frequency). This variant has not been reported in the literature in individuals affected with RAF1-related conditions. Invitae Evidence Modeling of protein sequence and biophysical properties (such as structural, functional, and spatial information, amino acid conservation, physicochemical variation, residue mobility, and thermodynamic stability) indicates that this missense variant is expected to disrupt RAF1 protein function with a positive predictive value of 95%. In summary, the available evidence is currently insufficient to determine the role of this variant in disease. Therefore, it has been classified as a Variant of Uncertain Significance.

NM_002880.4(RAF1):c.1547T>G (p.Val516Gly)

Gene: RAF1 (Raf-1 proto-oncogene, serine/threonine kinase; minus strand). Cytogenetic location: 3p25.2.
Variant type: single nucleotide variant.
Coding change: c.1547T>G on transcript NM_002880.4 (MANE Select); coding-DNA position 1547, T replaced by G.
Protein change: p.Val516Gly; replaces valine 516 with glycine.
Molecular consequence: missense variant. On other transcripts: non-coding transcript variant (3).
Genome position (GRCh38, 1-based): chr3:12,585,243, A>C on the plus strand (T>G on the coding strand, the complement: RAF1 is on the minus strand). VCF-style: chr3-12585243-A-C. GRCh37 (hg19) VCF-style: chr3-12626742-A-C.
Other names: c.1607T>G, p.Val536Gly (NM_001354689.3); c.1547T>G, p.Val516Gly (NM_001354690.3); c.1304T>G, p.Val435Gly (NM_001354691.3, NM_001354692.3); c.1448T>G, p.Val483Gly (NM_001354693.3); c.1364T>G, p.Val455Gly (NM_001354694.3); c.1205T>G, p.Val402Gly (NM_001354695.3); short protein forms V483G, V435G, V402G, V455G, V536G, V516G.
Identifiers: ClinVar variation 3635591 (VCV003635591.2).
Genomic context (GRCh38, chr3:12,585,243, plus strand): 5'-ATGCCATAGGAGTAGACATCCGACTGGAAACTGAATGGGTTGTTATCCTGCATTCGGATC[A>C]CCTCTGGGGCCTACATGTATCACCATATGACAAAAGTGCATTTATCACCATATGACAGGC-3'
Protein context (NP_002871.1, residues 506-526): TGSVLWMAPE[Val516Gly]IRMQDNNPFS